The following is an entry in ClinVar:

NM_000179.3(MSH6):c.3123T>A (p.Asp1041Glu)

Gene: MSH6 (mutS homolog 6; plus strand). Cytogenetic location: 2p16.3.
Variant type: single nucleotide variant.
Coding change: c.3123T>A on transcript NM_000179.3 (MANE Select); coding-DNA position 3123, T replaced by A.
Protein change: p.Asp1041Glu; replaces aspartic acid 1041 with glutamic acid.
Molecular consequence: missense variant.
Genome position (GRCh38, 1-based): chr2:47,801,106, T>A. VCF-style: chr2-47801106-T-A. GRCh37 (hg19) VCF-style: chr2-48028245-T-A.
Other names: c.2733T>A, p.Asp911Glu (NM_001281492.2); c.2217T>A, p.Asp739Glu (NM_001281493.2, NM_001281494.2); c.3123T>A (NM_000179.2); short protein forms D1041E, D739E, D911E.
Identifiers: ClinVar variation 1475712 (VCV001475712.9), dbSNP rs1669551961, ClinGen allele CA346756643.

ClinVar aggregate classification (germline): Uncertain significance. Review status: criteria provided, multiple submitters, no conflicts (2 of 4 stars). 2 submissions from 2 submitters: Uncertain significance (2). Last evaluated 2025-09-17.

Conditions:
Hereditary nonpolyposis colorectal neoplasms. Identifiers: MedGen C0009405, MeSH D003123.
Hereditary cancer-predisposing syndrome. Also called: Neoplastic Syndromes, Hereditary; Hereditary Cancer Syndrome; Tumor predisposition; Hereditary neoplastic syndrome. Identifiers: Orphanet 140162, MedGen C0027672, MeSH D009386, MONDO:0015356.

Allele frequency attached by ClinVar (database versions not stated): TOPMed below 0.00001.

Submissions (2):

Ambry Genetics
Classification: Uncertain significance for Hereditary cancer-predisposing syndrome. Last evaluated: 2025-09-17. Review status: criteria provided, single submitter. Criteria: Ambry Variant Classification Scheme 2023. Collection method: clinical testing. Allele origin: germline.
Comment: The p.D1041E variant (also known as c.3123T>A), located in coding exon 4 of the MSH6 gene, results from a T to A substitution at nucleotide position 3123. The aspartic acid at codon 1041 is replaced by glutamic acid, an amino acid with highly similar properties. This amino acid position is conserved. In addition, the in silico prediction for this alteration is inconclusive. Based on the available evidence, the clinical significance of this variant remains unclear.

Labcorp Genetics (formerly Invitae), Labcorp
Classification: Uncertain significance for Hereditary nonpolyposis colorectal neoplasms. Last evaluated: 2021-03-22. Review status: criteria provided, single submitter. Criteria: Invitae Variant Classification Sherloc (09022015). Collection method: clinical testing. Allele origin: germline.
Comment: In summary, the available evidence is currently insufficient to determine the role of this variant in disease. Therefore, it has been classified as a Variant of Uncertain Significance. Advanced modeling of protein sequence and biophysical properties (such as structural, functional, and spatial information, amino acid conservation, physicochemical variation, residue mobility, and thermodynamic stability) performed at Invitae indicates that this missense variant is not expected to disrupt MSH6 protein function. This variant has not been reported in the literature in individuals with MSH6-related conditions. This variant is not present in population databases (ExAC no frequency). This sequence change replaces aspartic acid with glutamic acid at codon 1041 of the MSH6 protein (p.Asp1041Glu). The aspartic acid residue is highly conserved and there is a small physicochemical difference between aspartic acid and glutamic acid.